The following is an entry in ClinVar:

ClinVar aggregate classification (germline): Uncertain significance (1 of 4 stars; one submission).

Submission:

Labcorp Genetics (formerly Invitae), Labcorp
Classification: Uncertain significance. Last evaluated: 2025-07-20. Review status: criteria provided, single submitter. Criteria: Invitae Variant Classification Sherloc (09022015). Collection method: clinical testing. Allele origin: germline.
Comment: This sequence change replaces cysteine, which is neutral and slightly polar, with tyrosine, which is neutral and polar, at codon 14 of the LRP6 protein (p.Cys14Tyr). This variant is not present in population databases (gnomAD no frequency). This variant has not been reported in the literature in individuals affected with LRP6-related conditions. An algorithm developed to predict the effect of missense changes on protein structure and function (PolyPhen-2) suggests that this variant is likely to be tolerated. In summary, the available evidence is currently insufficient to determine the role of this variant in disease. Therefore, it has been classified as a Variant of Uncertain Significance.

NM_002336.3(LRP6):c.41G>A (p.Cys14Tyr)

Gene: LRP6 (LDL receptor related protein 6; minus strand). Cytogenetic location: 12p13.2.
Variant type: single nucleotide variant.
Coding change: c.41G>A on transcript NM_002336.3 (MANE Select); coding-DNA position 41, G replaced by A.
Protein change: p.Cys14Tyr; replaces cysteine 14 with tyrosine.
Molecular consequence: missense variant. On other transcripts: 5 prime UTR variant (2), non-coding transcript variant (1), intron variant (1).
Genome position (GRCh38, 1-based): chr12:12,266,695, C>T on the plus strand (G>A on the coding strand, the complement: LRP6 is on the minus strand). VCF-style: chr12-12266695-C-T. GRCh37 (hg19) VCF-style: chr12-12419629-C-T.
Other names: c.41G>A, p.Cys14Tyr (NM_001414244.1, NM_001414245.1, NM_001414246.1 and 6 more transcripts); c.-19G>A (NM_001414252.1); c.-409G>A (NM_001414254.1); c.-399+69G>A (NM_001414253.1); short protein forms C14Y.
Identifiers: ClinVar variation 4723503 (VCV004723503.1).
Genomic context (GRCh38, chr12:12,266,695, plus strand): 5'-CTCCCCCCGAACCCCACCAACTTTCCAGTGCCCCCACTCTTCCCACCTCTCAGGAGCACA[C>T]AGAAGCTGCAGGCCAGGAGGCTCCTCAGGACGGCCCCCATCTTCCCTTCTCGCGTTCTCT-3'
Protein context (NP_002327.2, residues 4-24): VLRSLLACSF[Cys14Tyr]VLLRAAPLLL